The following is an entry in ClinVar:

ClinVar aggregate classification (germline): Uncertain significance (1 of 4 stars; one submission).

Conditions:
Fanconi anemia (FA). Also called: Fanconi's anemia. Identifiers: Orphanet 84, MedGen C0015625, MeSH D005199, MONDO:0019391.

Submission:

Labcorp Genetics (formerly Invitae), Labcorp
Classification: Uncertain significance for Fanconi anemia. Last evaluated: 2024-12-22. Review status: criteria provided, single submitter. Criteria: Invitae Variant Classification Sherloc (09022015). Collection method: clinical testing. Allele origin: germline.
Comment: This sequence change replaces alanine, which is neutral and non-polar, with valine, which is neutral and non-polar, at codon 982 of the FANCI protein (p.Ala982Val). This variant is present in population databases (no rsID available, gnomAD 0.004%). This variant has not been reported in the literature in individuals affected with FANCI-related conditions. Invitae Evidence Modeling of protein sequence and biophysical properties (such as structural, functional, and spatial information, amino acid conservation, physicochemical variation, residue mobility, and thermodynamic stability) indicates that this missense variant is expected to disrupt FANCI protein function with a positive predictive value of 80%. In summary, the available evidence is currently insufficient to determine the role of this variant in disease. Therefore, it has been classified as a Variant of Uncertain Significance.

NM_001113378.2(FANCI):c.2945C>T (p.Ala982Val)

Gene: FANCI (FA complementation group I; plus strand). Cytogenetic location: 15q26.1.
Variant type: single nucleotide variant.
Coding change: c.2945C>T on transcript NM_001113378.2 (MANE Select); coding-DNA position 2945, C replaced by T.
Protein change: p.Ala982Val; replaces alanine 982 with valine.
Molecular consequence: missense variant.
Genome position (GRCh38, 1-based): chr15:89,301,381, C>T. VCF-style: chr15-89301381-C-T. GRCh37 (hg19) VCF-style: chr15-89844612-C-T.
Other names: c.2666C>T, p.Ala889Val (NM_001376910.1); c.2945C>T, p.Ala982Val (NM_001376911.1); c.2765C>T, p.Ala922Val (NM_018193.3); short protein forms A922V, A982V, A889V.
Identifiers: ClinVar variation 3713013 (VCV003713013.2).